The following is an entry in ClinVar:

NM_001042492.3(NF1):c.7845C>G (p.Ile2615Met)

Gene: NF1 (neurofibromin 1; plus strand). Cytogenetic location: 17q11.2.
Variant type: single nucleotide variant.
Coding change: c.7845C>G on transcript NM_001042492.3 (MANE Select); coding-DNA position 7845, C replaced by G.
Protein change: p.Ile2615Met; replaces isoleucine 2615 with methionine.
Molecular consequence: missense variant.
Genome position (GRCh38, 1-based): chr17:31,357,066, C>G. VCF-style: chr17-31357066-C-G. GRCh37 (hg19) VCF-style: chr17-29684084-C-G.
Other names: c.7782C>G, p.Ile2594Met (NM_000267.4); short protein forms I2594M, I2615M.
Identifiers: ClinVar variation 3634605 (VCV003634605.2).

ClinVar aggregate classification (germline): Uncertain significance (1 of 4 stars; one submission).

Conditions:
Neurofibromatosis, type 1 (NF1). Also called: VON RECKLINGHAUSEN DISEASE; Peripheral type neurofibromatosis; NEUROFIBROMATOSIS, TYPE I, SOMATIC; Neurofibromatosis, type I. Identifiers: Orphanet 636, MedGen C0027831, MONDO:0018975, OMIM 162200. Disease mechanism: loss of function.

Submission:

Labcorp Genetics (formerly Invitae), Labcorp
Classification: Uncertain significance for Neurofibromatosis, type 1. Last evaluated: 2024-12-19. Review status: criteria provided, single submitter. Criteria: Invitae Variant Classification Sherloc (09022015). Collection method: clinical testing. Allele origin: germline.
Comment: This sequence change replaces isoleucine, which is neutral and non-polar, with methionine, which is neutral and non-polar, at codon 2594 of the NF1 protein (p.Ile2594Met). This variant is not present in population databases (gnomAD no frequency). This variant has not been reported in the literature in individuals affected with NF1-related conditions. Invitae Evidence Modeling of protein sequence and biophysical properties (such as structural, functional, and spatial information, amino acid conservation, physicochemical variation, residue mobility, and thermodynamic stability) indicates that this missense variant is not expected to disrupt NF1 protein function with a negative predictive value of 95%. In summary, the available evidence is currently insufficient to determine the role of this variant in disease. Therefore, it has been classified as a Variant of Uncertain Significance.